The following is an entry in ClinVar:

NM_015909.4(NBAS):c.2992T>G (p.Cys998Gly)

Gene: NBAS (NBAS subunit of NRZ tethering complex; minus strand). Cytogenetic location: 2p24.3.
Variant type: single nucleotide variant.
Coding change: c.2992T>G on transcript NM_015909.4 (MANE Select); coding-DNA position 2992, T replaced by G.
Protein change: p.Cys998Gly; replaces cysteine 998 with glycine.
Molecular consequence: missense variant. On other transcripts: non-coding transcript variant (1).
Genome position (GRCh38, 1-based): chr2:15,402,247, A>C on the plus strand (T>G on the coding strand, the complement: NBAS is on the minus strand). VCF-style: chr2-15402247-A-C. GRCh37 (hg19) VCF-style: chr2-15542371-A-C.
Other names: short protein forms C998G.
Identifiers: ClinVar variation 2098844 (VCV002098844.4), dbSNP rs1397157874, ClinGen allele CA345882164.

ClinVar aggregate classification (germline): Uncertain significance (1 of 4 stars; one submission).

Allele frequency attached by ClinVar (database versions not stated): gnomAD exomes below 0.00001; gnomAD 0.00001; TOPMed 0.00001.
gnomAD v4.1: 2 of 1,613,440 alleles (0.00012%); highest among the groups gnomAD compares: Non-Finnish European, 0.00017%; no homozygotes.

Submission:

Labcorp Genetics (formerly Invitae), Labcorp
Classification: Uncertain significance. Last evaluated: 2022-08-16. Review status: criteria provided, single submitter. Criteria: Invitae Variant Classification Sherloc (09022015). Collection method: clinical testing. Allele origin: germline.
Comment: This variant is present in population databases (no rsID available, gnomAD 0.0009%). In summary, the available evidence is currently insufficient to determine the role of this variant in disease. Therefore, it has been classified as a Variant of Uncertain Significance. Algorithms developed to predict the effect of missense changes on protein structure and function (SIFT, PolyPhen-2, Align-GVGD) all suggest that this variant is likely to be disruptive. This variant has not been reported in the literature in individuals affected with NBAS-related conditions. This sequence change replaces cysteine, which is neutral and slightly polar, with glycine, which is neutral and non-polar, at codon 998 of the NBAS protein (p.Cys998Gly).